The following is an entry in ClinVar:

ClinVar aggregate classification (germline): Conflicting classifications of pathogenicity. Review status: criteria provided, conflicting classifications (1 of 4 stars). 6 submissions from 5 submitters: Uncertain significance (1); Benign (1); Likely benign (4). Last evaluated 2025-12-29.

Conditions:
Hypertrophic cardiomyopathy 4. Also called: Familial hypertrophic cardiomyopathy 4. Identifiers: MedGen C1861862, MONDO:0007268, OMIM 115197.
Cardiovascular phenotype. Identifiers: MedGen CN230736.
Left ventricular noncompaction 10 (LVNC10). Identifiers: Orphanet 154, Orphanet 54260, MedGen C3715165, MONDO:0014163, OMIM 615396.
Hypertrophic cardiomyopathy. Also called: HYPERTROPHIC MYOCARDIOPATHY. Identifiers: Orphanet 217569, MedGen C0007194, MeSH D002312, MONDO:0005045, HP:0001639.
Cardiomyopathy (CMYO). Also called: Cardiomyopathies. Identifiers: Orphanet 167848, MedGen C0878544, MONDO:0004994, HP:0001638. Inheritance: Various modes of inheritance.

Allele frequency attached by ClinVar (database versions not stated): gnomAD 0.00010; TOPMed 0.00015.
gnomAD v4.1: 37 of 1,613,396 alleles (0.0023%); highest among the groups gnomAD compares: East Asian, 0.078%; no homozygotes.

Submissions (6):

Labcorp Genetics (formerly Invitae), Labcorp
Classification: Likely benign for Hypertrophic cardiomyopathy. Last evaluated: 2025-12-29. Review status: criteria provided, single submitter. Criteria: Invitae Variant Classification Sherloc (09022015). Collection method: clinical testing. Allele origin: germline.

All of Us Research Program, National Institutes of Health
Classification: Likely benign for Hypertrophic cardiomyopathy. Last evaluated: 2023-10-02. Review status: criteria provided, single submitter. Criteria: ACMG Guidelines, 2015. Collection method: clinical testing. Allele origin: germline. Inheritance: Autosomal dominant inheritance. Observed: 4 variant alleles, 4 heterozygotes.
Comment: This study involves interpretation of variants in research participants for the purpose of population health screening. Participant phenotype was not available at the time of variant classification. Additional details can be found in publication PMID: 35346344, PMCID: PMC8962531

Ambry Genetics
Classification: Likely benign for Cardiovascular phenotype. Last evaluated: 2021-05-27. Review status: criteria provided, single submitter. Criteria: Ambry Variant Classification Scheme 2023. Collection method: clinical testing. Allele origin: germline.

Color Diagnostics, LLC DBA Color Health
Classification: Likely benign for Cardiomyopathy. Last evaluated: 2019-10-09. Review status: criteria provided, single submitter. Criteria: ACMG Guidelines, 2015. Collection method: clinical testing. Allele origin: germline.

Illumina Laboratory Services, Illumina
Classification: Uncertain significance for Hypertrophic cardiomyopathy 4. Last evaluated: 2017-04-27. Review status: criteria provided, single submitter. Criteria: ICSL Variant Classification Criteria 13 December 2019. Collection method: clinical testing. Allele origin: germline.

Illumina Laboratory Services, Illumina
Classification: Benign for Left ventricular noncompaction 10. Last evaluated: 2017-04-27. Review status: criteria provided, single submitter. Criteria: ICSL Variant Classification Criteria 13 December 2019. Collection method: clinical testing. Allele origin: germline.
Comment: This variant was observed as part of a predisposition screen in an ostensibly healthy population. A literature search was performed for the gene, cDNA change, and amino acid change (where applicable). No publications were found based on this search. Allele frequency data from public databases was too high to be consistent with this variant causing disease. Therefore, this variant is classified as benign.

NM_000256.3(MYBPC3):c.684T>G (p.Asp228Glu)

Gene: MYBPC3 (myosin binding protein C3; minus strand). Cytogenetic location: 11p11.2.
Variant type: single nucleotide variant.
Coding change: c.684T>G on transcript NM_000256.3 (MANE Select); coding-DNA position 684, T replaced by G.
Protein change: p.Asp228Glu; replaces aspartic acid 228 with glutamic acid.
Molecular consequence: missense variant.
Genome position (GRCh38, 1-based): chr11:47,348,512, A>C on the plus strand (T>G on the coding strand, the complement: MYBPC3 is on the minus strand). VCF-style: chr11-47348512-A-C. GRCh37 (hg19) VCF-style: chr11-47370063-A-C.
Other names: c.684T>G, p.Asp228Glu (LRG_386t1); short protein forms D228E.
Identifiers: ClinVar variation 629412 (VCV000629412.21), dbSNP rs532498780, ClinGen allele CA056468.